The following is an entry in ClinVar:

ClinVar aggregate classification (germline): Likely benign (1 of 4 stars; one submission).

Submission:

CeGaT Center for Human Genetics Tuebingen
Classification: Likely benign. Last evaluated: 2025-11-01. Review status: criteria provided, single submitter. Criteria: CeGaT Center For Human Genetics Tuebingen Variant Classification Criteria Version 2. Collection method: clinical testing. Allele origin: germline. Affected: yes. Observed: 3 variant alleles.
Comment: STRA8: BP3

NM_001394401.1(STRA8):c.497_498insGGAAGAGGAGGAAGAGGAAGAGGAGGAGGAGGA (p.Glu178_Lys179insGluGluGluGluGluGluGluGluGluGluGlu)

Gene: STRA8 (stimulated by retinoic acid 8; plus strand). Cytogenetic location: 7q33.
Variant type: Insertion.
Coding change: c.497_498insGGAAGAGGAGGAAGAGGAAGAGGAGGAGGAGGA on transcript NM_001394401.1 (MANE Select); coding-DNA positions 497 to 498, GGAAGAGGAGGAAGAGGAAGAGGAGGAGGAGGA inserted.
Protein change: p.Glu178_Lys179insGluGluGluGluGluGluGluGluGluGluGlu.
Molecular consequence: inframe insertion. On other transcripts: intron variant (1).
Genome position: GRCh38: chr7:135,245,431-135,245,432. GRCh37 (hg19): chr7:134,930,183-134,930,184.
Other names: c.380+102_380+103insGGAAGAGGAGGAAGAGGAAGAGGAGGAGGAGGA (NM_182489.3).
Identifiers: ClinVar variation 3388921 (VCV003388921.14).